The following is an entry in ClinVar:

NM_001127208.3(TET2):c.368G>T (p.Arg123Leu)

Genes: TET2 (tet methylcytosine dioxygenase 2; plus strand), TET2-AS1 (TET2 antisense RNA 1; minus strand). Cytogenetic location: 4q24.
Variant type: single nucleotide variant.
Coding change: c.368G>T on transcript NM_001127208.3 (MANE Select); coding-DNA position 368, G replaced by T.
Protein change: p.Arg123Leu; replaces arginine 123 with leucine.
Molecular consequence: missense variant.
Genome position (GRCh38, 1-based): chr4:105,234,310, G>T. VCF-style: chr4-105234310-G-T. GRCh37 (hg19) VCF-style: chr4-106155467-G-T.
Other names: c.368G>T, p.Arg123Leu (NM_017628.4); short protein forms R123L.
Identifiers: ClinVar variation 4594209 (VCV004594209.1).

ClinVar aggregate classification (germline): Uncertain significance (1 of 4 stars; one submission).

gnomAD v4.1: 2 of 1,614,092 alleles (0.00012%); highest among the groups gnomAD compares: Non-Finnish European, 0.00017%; no homozygotes.

Submission:

Ambry Genetics
Classification: Uncertain significance. Last evaluated: 2025-11-23. Review status: criteria provided, single submitter. Criteria: Ambry Variant Classification Scheme 2023. Collection method: clinical testing. Allele origin: germline.
Comment: The p.R123L variant (also known as c.368G>T), located in coding exon 1 of the TET2 gene, results from a G to T substitution at nucleotide position 368. The arginine at codon 123 is replaced by leucine, an amino acid with dissimilar properties. This amino acid position is conserved. In addition, this alteration is predicted to be tolerated by in silico analysis. Based on the available evidence, the clinical significance of this variant remains unclear.